The following is an entry in ClinVar:

NM_001368894.2(PAX6):c.958+1G>C

Gene: PAX6 (paired box 6; minus strand). Cytogenetic location: 11p13.
Variant type: single nucleotide variant.
Coding change: c.958+1G>C on transcript NM_001368894.2 (MANE Select); the canonical splice donor site of the intron after coding-DNA position 958, G replaced by C.
Molecular consequence: splice donor variant.
Genome position (GRCh38, 1-based): chr11:31,793,651, C>G on the plus strand (G>C on the coding strand, the complement: PAX6 is on the minus strand). VCF-style: chr11-31793651-C-G. GRCh37 (hg19) VCF-style: chr11-31815199-C-G.
Other names: c.916+1G>C (NM_001127612.3, NM_001368890.2, NM_001368888.2 and 10 more transcripts); c.757+1G>C (NM_001368921.2, NM_001368923.2, NM_001368926.2 and 4 more transcripts); c.958+1G>C (NM_001258462.3, NM_001310158.2, NM_001258463.2 and 6 more transcripts); c.1033+1G>C (NM_001368919.2, NM_001368918.2); c.1159+1G>C (NM_001368910.2); c.508+1G>C (NM_001368909.2, NM_001368904.2, NM_001368905.2 and 11 more transcripts); c.961+1G>C (NM_001368911.2); c.715+1G>C (NM_001368928.2); and 2 more.
Identifiers: ClinVar variation 372442 (VCV000372442.5), dbSNP rs1057517783, ClinGen allele CA16042783.

ClinVar aggregate classification (germline): Pathogenic. Review status: criteria provided, single submitter (1 of 4 stars). 2 submissions from 2 submitters: Pathogenic (1). 1 of the submissions does not count toward it. Last evaluated 2021-08-27.

Conditions:
Aniridia 1 (AN1). Identifiers: Orphanet 250923, MedGen C0344542, MONDO:0024507, OMIM 106210.

Submissions (2):

GeneDx
Classification: Pathogenic. Last evaluated: 2021-08-27. Review status: criteria provided, single submitter. Criteria: GeneDx Variant Classification Process June 2021. Collection method: clinical testing. Allele origin: germline. Affected: yes.
Comment: Canonical splice site variant predicted to result in a null allele in a gene for which loss-of-function is a known mechanism of disease; Not observed at significant frequency in large population cohorts (Lek et al., 2016); This variant is associated with the following publications: (PMID: 11479730, 32360764, 31708273, 16712695, 20132240, 25525159)

Wessex Regional Genetics Laboratory, Salisbury District Hospital
Classification: Pathogenic for Aniridia 1. Last evaluated: 2019-08-15. Review status: no assertion criteria provided. Criteria: ACMG Guidelines, 2015. Collection method: clinical testing. Allele origin: unknown. Inheritance: Autosomal dominant inheritance. Affected: yes. Not counted in ClinVar's aggregate classification.